The following is an entry in ClinVar:

ClinVar aggregate classification (germline): Uncertain significance. Review status: criteria provided, multiple submitters, no conflicts (2 of 4 stars). 7 submissions from 7 submitters: Uncertain significance (7). Last evaluated 2026-02-01.

Conditions:
Hereditary cancer-predisposing syndrome. Also called: Tumor predisposition; Hereditary neoplastic syndrome; Hereditary Cancer Syndrome; Neoplastic Syndromes, Hereditary. Identifiers: Orphanet 140162, MedGen C0027672, MeSH D009386, MONDO:0015356.
MSH3-related disorder. Also called: MSH3-related condition.
Endometrial carcinoma. Also called: Endometrial carcinoma, somatic. Identifiers: MedGen C0476089, MONDO:0002447, OMIM 608089, HP:0012114.

Allele frequency attached by ClinVar (database versions not stated): gnomAD 0.00005; TOPMed 0.00014; gnomAD exomes 0.00020; ExAC 0.00021.
gnomAD v4.1: 109 of 1,613,724 alleles (0.0068%); highest among the groups gnomAD compares: Admixed American, 0.082%; no homozygotes.

Submissions (7):

Labcorp Genetics (formerly Invitae), Labcorp
Classification: Uncertain significance. Last evaluated: 2026-02-01. Review status: criteria provided, single submitter. Criteria: Invitae Variant Classification Sherloc (09022015). Collection method: clinical testing. Allele origin: germline.
Comment: This sequence change replaces asparagine, which is neutral and polar, with serine, which is neutral and polar, at codon 690 of the MSH3 protein (p.Asn690Ser). The frequency data for this variant in the population databases is considered unreliable, as metrics indicate poor data quality at this position in the gnomAD database. This missense change has been observed in individual(s) with colorectal cancer (PMID: 28944238). ClinVar contains an entry for this variant (Variation ID: 666020). An algorithm developed to predict the effect of missense changes on protein structure and function outputs the following: PolyPhen-2: "Possibly Damaging". The serine amino acid residue is found in multiple mammalian species, which suggests that this missense change does not adversely affect protein function. In summary, the available evidence is currently insufficient to determine the role of this variant in disease. Therefore, it has been classified as a Variant of Uncertain Significance.

PreventionGenetics, part of Exact Sciences
Classification: Uncertain significance for MSH3-related condition. Last evaluated: 2025-11-07. Review status: criteria provided, single submitter. Criteria: ACMG Guidelines, 2015. Collection method: clinical testing. Allele origin: germline.
Comment: The MSH3 c.2069A>G variant is predicted to result in the amino acid substitution p.Asn690Ser. This variant has been reported in an individual with colorectal cancer; however, it was considered a variant of uncertain significance (Table S2, DeRycke et al. 2017. PubMed ID: 28944238). This variant is reported in 0.12% of alleles in individuals of Latino descent in gnomAD and is interpreted as uncertain in ClinVar (Variation ID: 666020). At this time, the clinical significance of this variant is uncertain due to the absence of conclusive functional and genetic evidence.

Quest Diagnostics Nichols Institute San Juan Capistrano
Classification: Uncertain significance. Last evaluated: 2025-11-06. Review status: criteria provided, single submitter. Criteria: Quest Diagnostics criteria. Collection method: clinical testing. Allele origin: unknown.
Comment: The frequency of this variant in the general population (Genome Aggregation Database) is uninformative in the assessment of its pathogenicity. Analysis of this variant using bioinformatics tools for the prediction of the effect of amino acid changes on protein structure and function yielded predictions that this variant is benign. Based on the available information, we are unable to determine the clinical significance of this variant.

Ambry Genetics
Classification: Uncertain significance for Hereditary cancer-predisposing syndrome. Last evaluated: 2025-07-09. Review status: criteria provided, single submitter. Criteria: Ambry Variant Classification Scheme 2023. Collection method: clinical testing. Allele origin: germline.
Comment: The p.N690S variant (also known as c.2069A>G), located in coding exon 14 of the MSH3 gene, results from an A to G substitution at nucleotide position 2069. The asparagine at codon 690 is replaced by serine, an amino acid with highly similar properties. This alteration was identified in an individual diagnosed with colorectal cancer (DeRycke MS et al. Mol Genet Genomic Med, 2017 Sep;5:553-569). This amino acid position is highly conserved in available vertebrate species. In addition, this alteration is predicted to be tolerated by in silico analysis. Based on the available evidence, the clinical significance of this variant remains unclear.

GeneDx
Classification: Uncertain significance. Last evaluated: 2025-01-02. Review status: criteria provided, single submitter. Criteria: GeneDx Variant Classification Process June 2021. Collection method: clinical testing. Allele origin: germline.
Comment: In silico analysis supports that this missense variant has a deleterious effect on protein structure/function; Observed in an individual with colorectal cancer (PMID: 28944238); This variant is associated with the following publications: (PMID: 28944238)

Baylor Genetics
Classification: Uncertain significance for Endometrial carcinoma. Last evaluated: 2024-03-29. Review status: criteria provided, single submitter. Criteria: ACMG Guidelines, 2015. Collection method: clinical testing. Allele origin: unknown.

Sema4
Classification: Uncertain significance for Hereditary cancer-predisposing syndrome. Last evaluated: 2021-09-18. Review status: criteria provided, single submitter. Criteria: Sema4 Curation Guidelines. Collection method: curation. Allele origin: germline.
Comment: The MSH3 c.2069A>G (p.N690S) variant has been reported in heterozygosity in at least one individual with colorectal cancer (PMID: 28944238). This variant was observed in 43/35436 chromosomes in the Latino population, with no homozygotes, according to the Genome Aggregation Database (PMID: 32461654), and has been reported in ClinVar (Variation ID: 666020). Functional studies have not been performed, and in silico predictions of the variant's effect on protein function are inconclusive. Based on the current evidence available, this variant is interpreted as a variant of uncertain significance.

Literature cited by the submitters: PubMed 28944238 (cited by 4 submitters); PubMed 37762649 (cited by Quest Diagnostics Nichols Institute San Juan Capistrano).

NM_002439.5(MSH3):c.2069A>G (p.Asn690Ser)

Gene: MSH3 (mutS homolog 3; plus strand). Cytogenetic location: 5q14.1.
Variant type: single nucleotide variant.
Coding change: c.2069A>G on transcript NM_002439.5 (MANE Select); coding-DNA position 2069, A replaced by G.
Protein change: p.Asn690Ser; replaces asparagine 690 with serine.
Molecular consequence: missense variant.
Genome position (GRCh38, 1-based): chr5:80,768,105, A>G. VCF-style: chr5-80768105-A-G. GRCh37 (hg19) VCF-style: chr5-80063924-A-G.
Other names: short protein forms N690S.
Identifiers: ClinVar variation 666020 (VCV000666020.21), dbSNP rs575779178, ClinGen allele CA3328122.